The following is an entry in ClinVar:

NM_001206927.2(DNAH8):c.12969G>A (p.Thr4323=)

Gene: DNAH8 (dynein axonemal heavy chain 8; plus strand). Cytogenetic location: 6p21.2.
Variant type: single nucleotide variant.
Coding change: c.12969G>A on transcript NM_001206927.2 (MANE Select); coding-DNA position 12969, G replaced by A.
Protein change: p.Thr4323=; no amino-acid change (threonine 4323 retained).
Molecular consequence: synonymous variant.
Genome position (GRCh38, 1-based): chr6:38,984,223, G>A. VCF-style: chr6-38984223-G-A. GRCh37 (hg19) VCF-style: chr6-38951999-G-A.
Other names: c.12318G>A, p.Thr4106= (NM_001371.4).
Identifiers: ClinVar variation 414427 (VCV000414427.27), dbSNP rs114095356, ClinGen allele CA3791522.

ClinVar aggregate classification (germline): Benign/Likely benign. Review status: criteria provided, multiple submitters, no conflicts (2 of 4 stars). 3 submissions from 3 submitters: Benign (1); Likely benign (2). Last evaluated 2026-02-01.

Conditions:
Primary ciliary dyskinesia. Also called: Ciliary dyskinesia. Identifiers: Orphanet 244, MedGen C0008780, MONDO:0016575, HP:0012265.

Allele frequency attached by ClinVar (database versions not stated): gnomAD exomes 0.00076; ExAC 0.00093; 1000 Genomes Project 30x 0.00141; 1000 Genomes Project 0.00160; gnomAD 0.00229 and 0.00241; ESP Exome Variant Server 0.00261; TOPMed 0.00261.
gnomAD v4.1: 801 of 1,592,166 alleles (0.05%); highest among the groups gnomAD compares: African/African-American, 0.75%; 4 homozygotes.

Submissions (3):

Labcorp Genetics (formerly Invitae), Labcorp
Classification: Benign for Primary ciliary dyskinesia. Last evaluated: 2026-02-01. Review status: criteria provided, single submitter. Criteria: Invitae Variant Classification Sherloc (09022015). Collection method: clinical testing. Allele origin: germline.

Blueprint Genetics
Classification: Likely benign. Last evaluated: 2024-09-13. Review status: criteria provided, single submitter. Criteria: ACMG Guidelines, 2015. Collection method: clinical testing. Allele origin: germline.

CeGaT Center for Human Genetics Tuebingen
Classification: Likely benign. Last evaluated: 2024-08-01. Review status: criteria provided, single submitter. Criteria: CeGaT Center For Human Genetics Tuebingen Variant Classification Criteria Version 2. Collection method: clinical testing. Allele origin: germline. Affected: yes. Observed: 1 variant allele.
Comment: DNAH8: BP4, BP7